The following is an entry in ClinVar:

NM_015559.3(SETBP1):c.928G>C (p.Gly310Arg)

Gene: SETBP1 (SET binding protein 1; plus strand). Cytogenetic location: 18q12.3.
Variant type: single nucleotide variant.
Coding change: c.928G>C on transcript NM_015559.3 (MANE Select); coding-DNA position 928, G replaced by C.
Protein change: p.Gly310Arg; replaces glycine 310 with arginine.
Molecular consequence: missense variant.
Genome position (GRCh38, 1-based): chr18:44,950,268, G>C. VCF-style: chr18-44950268-G-C. GRCh37 (hg19) VCF-style: chr18-42530233-G-C.
Other names: c.928G>C, p.Gly310Arg (NM_001379141.1, NM_001379142.1); short protein forms G310R.
Identifiers: ClinVar variation 1408256 (VCV001408256.6), dbSNP rs1425063196, ClinGen allele CA402317137.

ClinVar aggregate classification (germline): Uncertain significance (1 of 4 stars; one submission).

Submission:

Labcorp Genetics (formerly Invitae), Labcorp
Classification: Uncertain significance. Last evaluated: 2021-10-10. Review status: criteria provided, single submitter. Criteria: Invitae Variant Classification Sherloc (09022015). Collection method: clinical testing. Allele origin: germline.
Comment: In summary, the available evidence is currently insufficient to determine the role of this variant in disease. Therefore, it has been classified as a Variant of Uncertain Significance. Algorithms developed to predict the effect of missense changes on protein structure and function (SIFT, PolyPhen-2, Align-GVGD) all suggest that this variant is likely to be disruptive. This variant has not been reported in the literature in individuals affected with SETBP1-related conditions. This variant is not present in population databases (ExAC no frequency). This sequence change replaces glycine with arginine at codon 310 of the SETBP1 protein (p.Gly310Arg). The glycine residue is highly conserved and there is a moderate physicochemical difference between glycine and arginine.